The following is an entry in ClinVar:

ClinVar aggregate classification (germline): Uncertain significance (1 of 4 stars; one submission).

Submission:

Labcorp Genetics (formerly Invitae), Labcorp
Classification: Uncertain significance. Last evaluated: 2022-07-05. Review status: criteria provided, single submitter. Criteria: Invitae Variant Classification Sherloc (09022015). Collection method: clinical testing. Allele origin: germline.
Comment: In summary, the available evidence is currently insufficient to determine the role of this variant in disease. Therefore, it has been classified as a Variant of Uncertain Significance. Algorithms developed to predict the effect of missense changes on protein structure and function are either unavailable or do not agree on the potential impact of this missense change (SIFT: "Not Available"; PolyPhen-2: "Benign"; Align-GVGD: "Not Available"). This variant has not been reported in the literature in individuals affected with ADAMTSL4-related conditions. Information on the frequency of this variant in the gnomAD database is not available, as this variant may be reported differently in the database. This sequence change replaces tryptophan, which is neutral and slightly polar, with lysine, which is basic and polar, at codon 289 of the ADAMTSL4 protein (p.Trp289Lys).

NM_019032.6(ADAMTSL4):c.865_866delinsAA (p.Trp289Lys)

Genes: ADAMTSL4 (ADAMTS like 4; plus strand), ADAMTSL4-AS2 (ADAMTSL4 antisense RNA 2; minus strand). Cytogenetic location: 1q21.2.
Variant type: Indel.
Coding change: c.865_866delinsAA on transcript NM_019032.6 (MANE Select); coding-DNA positions 865 to 866, TG replaced by AA.
Protein change: p.Trp289Lys; replaces tryptophan 289 with lysine.
Molecular consequence: missense variant.
Genome position (GRCh38, 1-based): chr1:150,553,856-150,553,857, TG replaced by AA. VCF-style: chr1-150553856-TG-AA. GRCh37 (hg19) VCF-style: chr1-150526332-TG-AA.
Other names: c.865_866delinsAA, p.Trp289Lys (NM_001288607.2, NM_001288608.2, NM_001378596.1 and 1 more transcripts); short protein forms W289K.
Identifiers: ClinVar variation 2088896 (VCV002088896.4), dbSNP rs2526614308, ClinGen allele CA2580060996.
Genomic context (GRCh38, chr1:150,553,856, plus strand): 5'-TTAGGAGAAGGTGGCTTCTTCCGTGCATCCCCTCAGCCACGAAGGCCAAGTTCCCAGGGT[TG>AA]GGCCAGTCCCCAGGTAGCAGGGAGACGCCCTGATCCTTTTCCTTCGGTCCCTCGGGGCCG-3'
Protein context (NP_061905.2, residues 279-299): PQPRRPSSQG[Trp289Lys]ASPQVAGRRP